The following is an entry in ClinVar:

ClinVar aggregate classification (germline): Uncertain significance (1 of 4 stars; one submission).

Conditions:
Febrile seizures, familial, 4 (FEB4). Also called: CONVULSIONS, FAMILIAL FEBRILE, 4. Identifiers: MedGen C1858493, MONDO:0011443, OMIM 604352.

Submission:

Neuberg Centre For Genomic Medicine, NCGM
Classification: Uncertain significance for Febrile seizures, familial, 4. Last evaluated: 2023-06-22. Review status: criteria provided, single submitter. Criteria: ACMG Guidelines, 2015. Collection method: clinical testing. Allele origin: germline. Inheritance: Autosomal dominant inheritance. Affected: yes.
Comment: The observed missense c.11053T>C(p.Tyr3685His) variant in ADGRV1 gene has not been reported previously as a pathogenic variant nor a benign variant, to our knowledge. The p.Tyr3685His variant is absent in gnomAD Exomes. This variant has not been submitted to the ClinVar database. Multiple lines of computational evidences (Polyphen - Benign, SIFT - Tolerated and MutationTaster - Disease causing) predict conflicting evidence on protein structure and function for this variant. The reference amino acid change at this position on ADGRV1 gene is predicted as conserved by GERP++ and PhyloP across 100 vertebrates. The amino acid Tyr at position 3685 is changed to a His changing protein sequence and it might alter its composition and physico-chemical properties. For these reasons, this variant has been classified as a Variant of Uncertain Significance (VUS).

NM_032119.4(ADGRV1):c.11053T>C (p.Tyr3685His)

Gene: ADGRV1 (adhesion G protein-coupled receptor V1; plus strand). Cytogenetic location: 5q14.3.
Variant type: single nucleotide variant.
Coding change: c.11053T>C on transcript NM_032119.4 (MANE Select); coding-DNA position 11053, T replaced by C.
Protein change: p.Tyr3685His; replaces tyrosine 3685 with histidine.
Molecular consequence: missense variant. On other transcripts: non-coding transcript variant (1).
Genome position (GRCh38, 1-based): chr5:90,750,629, T>C. VCF-style: chr5-90750629-T-C. GRCh37 (hg19) VCF-style: chr5-90046446-T-C.
Other names: short protein forms Y3685H.
Identifiers: ClinVar variation 3377744 (VCV003377744.1).
Genomic context (GRCh38, chr5:90,750,629, plus strand): 5'-GTGGAAGAAATGGAGCAAGATAGCCTAGTAACCTTGAACGTTGAACGCTTAAAAGGAACA[T>C]ATGGCCGTATAACCATAGCATGGGAAGCTGATGGAAGTATTAGTGATATATTTCCTACCT-3'
Protein context (NP_115495.3, residues 3675-3695): TLNVERLKGT[Tyr3685His]GRITIAWEAD